The following is an entry in ClinVar:

ClinVar aggregate classification (germline): Pathogenic (1 of 4 stars; one submission).

Submission:

CeGaT Center for Human Genetics Tuebingen
Classification: Pathogenic. Last evaluated: 2026-03-01. Review status: criteria provided, single submitter. Criteria: CeGaT Center For Human Genetics Tuebingen Variant Classification Criteria Version 2. Collection method: clinical testing. Allele origin: germline. Affected: yes. Observed: 1 variant allele.
Comment: ARID1B: PVS1, PM2, PS2:Moderate

NM_001374828.1(ARID1B):c.4900C>T (p.Gln1634Ter)

Gene: ARID1B (AT-rich interaction domain 1B; plus strand). Cytogenetic location: 6q25.3.
Variant type: single nucleotide variant.
Coding change: c.4900C>T on transcript NM_001374828.1 (MANE Select); coding-DNA position 4900, C replaced by T.
Protein change: p.Gln1634Ter; replaces glutamine 1634 with a stop codon.
Molecular consequence: nonsense.
Genome position (GRCh38, 1-based): chr6:157,201,125, C>T. VCF-style: chr6-157201125-C-T. GRCh37 (hg19) VCF-style: chr6-157522259-C-T.
Other names: c.4780C>T, p.Gln1594Ter (NM_001374820.1, NM_001371656.1); c.5029C>T, p.Gln1677Ter (NM_001438482.1); c.4942C>T, p.Gln1648Ter (NM_001438483.1); c.4810C>T, p.Gln1604Ter (NM_001438485.1); c.4783C>T, p.Gln1595Ter (NM_001438486.1); c.4720C>T, p.Gln1574Ter (NM_001438487.1); c.2242C>T, p.Gln748Ter (NM_001438488.1); c.4741C>T, p.Gln1581Ter (NM_017519.3); and 1 more; short protein forms Q1574*, Q1581*, Q1594*, Q1595*, Q1604*, Q1634*, Q1648*, Q1677*.
Identifiers: ClinVar variation 4822501 (VCV004822501.4).